The following is an entry in ClinVar:

NM_004519.4(KCNQ3):c.1163C>T (p.Thr388Ile)

Gene: KCNQ3 (potassium voltage-gated channel subfamily Q member 3; minus strand). Cytogenetic location: 8q24.22.
Variant type: single nucleotide variant.
Coding change: c.1163C>T on transcript NM_004519.4 (MANE Select); coding-DNA position 1163, C replaced by T.
Protein change: p.Thr388Ile; replaces threonine 388 with isoleucine.
Molecular consequence: missense variant.
Genome position (GRCh38, 1-based): chr8:132,170,406, G>A on the plus strand (C>T on the coding strand, the complement: KCNQ3 is on the minus strand). VCF-style: chr8-132170406-G-A. GRCh37 (hg19) VCF-style: chr8-133182653-G-A.
Other names: c.803C>T, p.Thr268Ile (NM_001204824.2); short protein forms T388I, T268I.
Identifiers: ClinVar variation 1426942 (VCV001426942.7), dbSNP rs373234528, ClinGen allele CA186222957.
Genomic context (GRCh38, chr8:132,170,406, plus strand): 5'-AAAGAGACGACTGATTCATAAAATCTCCATGTCGCCACCAGGTCAATCCTGTTGGGGTTG[G>A]TAGCATAATACCTCCAGGCAGCCTGAGGGGCAGAAAAGAGGGGCAACAATGAGTGGGCAC-3'
Protein context (NP_004510.1, residues 378-398): LIQAAWRYYA[Thr388Ile]NPNRIDLVAT

ClinVar aggregate classification (germline): Uncertain significance (1 of 4 stars; one submission).

Conditions:
Benign neonatal seizures. Also called: Benign neonatal familial convulsions; Benign familial neonatal seizures; Convulsions benign familial neonatal dominant form; Autosomal dominant form of benign neonatal seizures; Benign familial neonatal epilepsy. Identifiers: Orphanet 1949, MedGen C0220669, MONDO:0016027.

Allele frequency attached by ClinVar (database versions not stated): gnomAD exomes below 0.00001; gnomAD 0.00001; ESP Exome Variant Server 0.00008.
gnomAD v4.1: 3 of 1,613,604 alleles (0.00019%); highest among the groups gnomAD compares: African/African-American, 0.004%; no homozygotes.

Submission:

Labcorp Genetics (formerly Invitae), Labcorp
Classification: Uncertain significance for Benign neonatal seizures. Last evaluated: 2022-03-27. Review status: criteria provided, single submitter. Criteria: Invitae Variant Classification Sherloc (09022015). Collection method: clinical testing. Allele origin: germline.
Comment: This variant has not been reported in the literature in individuals affected with KCNQ3-related conditions. In summary, the available evidence is currently insufficient to determine the role of this variant in disease. Therefore, it has been classified as a Variant of Uncertain Significance. Advanced modeling of protein sequence and biophysical properties (such as structural, functional, and spatial information, amino acid conservation, physicochemical variation, residue mobility, and thermodynamic stability) performed at Invitae indicates that this missense variant is expected to disrupt KCNQ3 protein function. This variant is not present in population databases (gnomAD no frequency). This sequence change replaces threonine, which is neutral and polar, with isoleucine, which is neutral and non-polar, at codon 388 of the KCNQ3 protein (p.Thr388Ile).